The following is an entry in ClinVar:

ClinVar aggregate classification (germline): Uncertain significance (1 of 4 stars; one submission).

Allele frequency attached by ClinVar (database versions not stated): gnomAD exomes below 0.00001; gnomAD 0.00001; ExAC 0.00002; TOPMed 0.00002; 1000 Genomes Project 30x 0.00016; 1000 Genomes Project 0.00020.
gnomAD v4.1: 4 of 1,613,642 alleles (0.00025%); highest among the groups gnomAD compares: African/African-American, 0.004%; no homozygotes.

Submission:

Labcorp Genetics (formerly Invitae), Labcorp
Classification: Uncertain significance. Last evaluated: 2022-10-17. Review status: criteria provided, single submitter. Criteria: Invitae Variant Classification Sherloc (09022015). Collection method: clinical testing. Allele origin: germline.
Comment: This sequence change replaces leucine, which is neutral and non-polar, with serine, which is neutral and polar, at codon 784 of the AP3B2 protein (p.Leu784Ser). This variant is present in population databases (rs568259225, gnomAD 0.01%). This variant has not been reported in the literature in individuals affected with AP3B2-related conditions. Algorithms developed to predict the effect of missense changes on protein structure and function are either unavailable or do not agree on the potential impact of this missense change (SIFT: "Tolerated"; PolyPhen-2: "Possibly Damaging"; Align-GVGD: "Class C0"). In summary, the available evidence is currently insufficient to determine the role of this variant in disease. Therefore, it has been classified as a Variant of Uncertain Significance.

NM_001278512.2(AP3B2):c.2408T>C (p.Leu803Ser)

Genes: AP3B2 (adaptor related protein complex 3 subunit beta 2; minus strand), CPEB1-AS1 (CPEB1 antisense RNA 1; plus strand). Cytogenetic location: 15q25.2.
Variant type: single nucleotide variant.
Coding change: c.2408T>C on transcript NM_001278512.2 (MANE Select); coding-DNA position 2408, T replaced by C.
Protein change: p.Leu803Ser; replaces leucine 803 with serine.
Molecular consequence: missense variant.
Genome position (GRCh38, 1-based): chr15:82,663,829, A>G on the plus strand (T>C on the coding strand, the complement: AP3B2 is on the minus strand). VCF-style: chr15-82663829-A-G. GRCh37 (hg19) VCF-style: chr15-83332581-A-G.
Other names: c.2255T>C, p.Leu752Ser (NM_001278511.2); c.2351T>C, p.Leu784Ser (NM_004644.5); short protein forms L803S, L784S, L752S.
Identifiers: ClinVar variation 1972862 (VCV001972862.5), dbSNP rs568259225, ClinGen allele CA7699927.